The following is an entry in ClinVar:

NM_004006.2:c.(6438+1_6439-1)_(7542+1_7543-1)del

Gene: DMD (dystrophin; minus strand).
Variant type: Deletion.
Identifiers: ClinVar variation 3895207 (VCV003895207.1).

ClinVar aggregate classification (germline): Likely pathogenic (1 of 4 stars; one submission).

Conditions:
Cardiovascular phenotype. Identifiers: MedGen CN230736.

Submission:

Molecular Diagnostic Laboratory for Inherited Cardiovascular Disease, Montreal Heart Institute
Classification: Likely pathogenic for Cardiovascular phenotype. Last evaluated: 2024-01-24. Review status: criteria provided, single submitter. Criteria: ACMG Guidelines, 2015. Collection method: clinical testing. Allele origin: germline. Affected: yes.
Comment: PVS1_strong, PM2, PS4_supp